The following is an entry in ClinVar:

ClinVar aggregate classification (germline): Uncertain significance. Review status: criteria provided, multiple submitters, no conflicts (2 of 4 stars). 6 submissions from 6 submitters: Uncertain significance (6). Last evaluated 2026-01-12.

Conditions:
Hypertrophic cardiomyopathy 20. Identifiers: MedGen C3151267, MONDO:0013477, OMIM 613876.
Dilated cardiomyopathy 1CC (CMD1CC). Identifiers: Orphanet 154, MedGen C2751084, MONDO:0013147, OMIM 613122.
Cardiovascular phenotype. Identifiers: MedGen CN230736.

Allele frequency attached by ClinVar (database versions not stated): gnomAD exomes below 0.00001 and 0.00001; ExAC 0.00002; gnomAD 0.00006 and 0.00007; TOPMed 0.00014; 1000 Genomes Project 30x 0.00016; 1000 Genomes Project 0.00020.

Submissions (6):

Labcorp Genetics (formerly Invitae), Labcorp
Classification: Uncertain significance for Dilated cardiomyopathy 1CC; Hypertrophic cardiomyopathy 20. Last evaluated: 2026-01-12. Review status: criteria provided, single submitter. Criteria: Invitae Variant Classification Sherloc (09022015). Collection method: clinical testing. Allele origin: germline.
Comment: This sequence change replaces glutamic acid, which is acidic and polar, with lysine, which is basic and polar, at codon 84 of the NEXN protein (p.Glu84Lys). This variant is present in population databases (rs547319928, gnomAD 0.02%). This variant has not been reported in the literature in individuals affected with NEXN-related conditions. ClinVar contains an entry for this variant (Variation ID: 582416). Invitae Evidence Modeling of protein sequence and biophysical properties (such as structural, functional, and spatial information, amino acid conservation, physicochemical variation, residue mobility, and thermodynamic stability) indicates that this missense variant is not expected to disrupt NEXN protein function with a negative predictive value of 80%. In summary, the available evidence is currently insufficient to determine the role of this variant in disease. Therefore, it has been classified as a Variant of Uncertain Significance.

Ambry Genetics
Classification: Uncertain significance for Cardiovascular phenotype. Last evaluated: 2025-12-01. Review status: criteria provided, single submitter. Criteria: Ambry Variant Classification Scheme 2023. Collection method: clinical testing. Allele origin: germline.
Comment: The p.E84K variant (also known as c.250G>A), located in coding exon 3 of the NEXN gene, results from a G to A substitution at nucleotide position 250. The glutamic acid at codon 84 is replaced by lysine, an amino acid with similar properties. This amino acid position is not well conserved in available vertebrate species. In addition, the in silico prediction for this alteration is inconclusive. Since supporting evidence is limited at this time, the clinical significance of this alteration remains unclear.

Mayo Clinic Laboratories, Mayo Clinic
Classification: Uncertain significance. Last evaluated: 2025-05-19. Review status: criteria provided, single submitter. Criteria: ACMG Guidelines, 2015. Collection method: clinical testing. Allele origin: germline. Observed: 1 variant allele.
Comment: BP4, PM2_supporting

GeneDx
Classification: Uncertain significance. Last evaluated: 2024-06-28. Review status: criteria provided, single submitter. Criteria: GeneDx Variant Classification Process June 2021. Collection method: clinical testing. Allele origin: germline. Affected: yes.
Comment: Has not been previously published as pathogenic or benign to our knowledge; Not observed at significant frequency in large population cohorts (gnomAD); In silico analysis indicates that this missense variant does not alter protein structure/function

Fulgent Genetics
Classification: Uncertain significance for Dilated cardiomyopathy 1CC; Hypertrophic cardiomyopathy 20. Last evaluated: 2021-08-23. Review status: criteria provided, single submitter. Criteria: ACMG Guidelines, 2015. Collection method: clinical testing. Allele origin: unknown.

Blueprint Genetics
Classification: Uncertain significance. Last evaluated: 2018-04-21. Review status: criteria provided, single submitter. Criteria: ACMG Guidelines, 2015. Collection method: clinical testing. Allele origin: germline.

Literature cited by the submitters: PubMed 31983221 (cited by Mayo Clinic Laboratories, Mayo Clinic).

NM_144573.4(NEXN):c.250G>A (p.Glu84Lys)

Gene: NEXN (nexilin F-actin binding protein; plus strand). Cytogenetic location: 1p31.1.
Variant type: single nucleotide variant.
Coding change: c.250G>A on transcript NM_144573.4 (MANE Select); coding-DNA position 250, G replaced by A.
Protein change: p.Glu84Lys; replaces glutamic acid 84 with lysine.
Molecular consequence: missense variant.
Genome position (GRCh38, 1-based): chr1:77,917,990, G>A. VCF-style: chr1-77917990-G-A. GRCh37 (hg19) VCF-style: chr1-78383675-G-A.
Other names: p.Glu84Lys; c.58G>A, p.Glu20Lys (NM_001172309.2); short protein forms E84K, E20K.
Identifiers: ClinVar variation 582416 (VCV000582416.17), dbSNP rs547319928, ClinGen allele CA918600.